The following is an entry in ClinVar:

NM_001374736.1(DST):c.2975C>T (p.Ala992Val)

Gene: DST (dystonin; minus strand). Cytogenetic location: 6p12.1.
Variant type: single nucleotide variant.
Coding change: c.2975C>T on transcript NM_001374736.1 (MANE Select); coding-DNA position 2975, C replaced by T.
Protein change: p.Ala992Val; replaces alanine 992 with valine.
Molecular consequence: missense variant.
Genome position (GRCh38, 1-based): chr6:56,636,642, G>A on the plus strand (C>T on the coding strand, the complement: DST is on the minus strand). VCF-style: chr6-56636642-G-A. GRCh37 (hg19) VCF-style: chr6-56501440-G-A.
Other names: c.2876C>T, p.Ala959Val (NM_001144769.5); c.2462C>T, p.Ala821Val (NM_001144770.2); c.2975C>T, p.Ala992Val (NM_001374722.1); c.2342C>T, p.Ala781Val (NM_001374729.1, NM_001374730.1, NM_001386100.1 and 1 more transcripts); c.3002C>T, p.Ala1001Val (NM_001374734.1); c.1364C>T, p.Ala455Val (NM_001723.7, NM_015548.5); short protein forms A1001V, A455V, A959V, A992V, A781V, A821V.
Identifiers: ClinVar variation 1419298 (VCV001419298.5), dbSNP rs1043850457, ClinGen allele CA139218092.

ClinVar aggregate classification (germline): Uncertain significance (1 of 4 stars; one submission).

Conditions:
Epidermolysis bullosa simplex 3, localized or generalized intermediate, with BP230 deficiency (EBS3). Also called: Epidermolysis bullosa simplex due to BP230 deficiency; Epidermolysis bullosa simplex, autosomal recessive 2. Identifiers: Orphanet 412181, MedGen C3809470, MONDO:0014180, OMIM 615425.
Hereditary sensory and autonomic neuropathy type 6. Also called: Neuropathy, hereditary sensory and autonomic, type VI; HSAN VI. Identifiers: Orphanet 314381, MedGen C3539003, MONDO:0013839, OMIM 614653.

Allele frequency attached by ClinVar (database versions not stated): gnomAD exomes below 0.00001.
gnomAD v4.1: 10 of 1,612,964 alleles (0.00062%); highest among the groups gnomAD compares: South Asian, 0.0022%; no homozygotes.

Submission:

Labcorp Genetics (formerly Invitae), Labcorp
Classification: Uncertain significance for Epidermolysis bullosa simplex 3, localized or generalized intermediate, with BP230 deficiency; Hereditary sensory and autonomic neuropathy type 6. Last evaluated: 2021-09-17. Review status: criteria provided, single submitter. Criteria: Invitae Variant Classification Sherloc (09022015). Collection method: clinical testing. Allele origin: germline.
Comment: This sequence change replaces alanine with valine at codon 455 of the DST protein (p.Ala455Val). The alanine residue is highly conserved and there is a small physicochemical difference between alanine and valine. This variant is not present in population databases (ExAC no frequency). This variant has not been reported in the literature in individuals affected with DST-related conditions. Algorithms developed to predict the effect of missense changes on protein structure and function (SIFT, PolyPhen-2, Align-GVGD) all suggest that this variant is likely to be disruptive. In summary, the available evidence is currently insufficient to determine the role of this variant in disease. Therefore, it has been classified as a Variant of Uncertain Significance.